The following is an entry in ClinVar:

NM_001148.6(ANK2):c.10020T>A (p.Asp3340Glu)

Gene: ANK2 (ankyrin 2; plus strand). Cytogenetic location: 4q26.
Variant type: single nucleotide variant.
Coding change: c.10020T>A on transcript NM_001148.6 (MANE Select); coding-DNA position 10020, T replaced by A.
Protein change: p.Asp3340Glu; replaces aspartic acid 3340 with glutamic acid.
Molecular consequence: missense variant. On other transcripts: intron variant (68).
Genome position (GRCh38, 1-based): chr4:113,358,638, T>A. VCF-style: chr4-113358638-T-A. GRCh37 (hg19) VCF-style: chr4-114279794-T-A.
Other names: c.9786T>A, p.Asp3262Glu (NM_001386142.1); c.6420T>A, p.Asp2140Glu (NM_001386166.1); c.10161T>A, p.Asp3387Glu (NM_001386174.1); c.10137T>A, p.Asp3379Glu (NM_001386175.1); c.4412-2185T>A (NM_001386186.2, NM_001386148.2); c.4214-2185T>A (NM_001354269.3); c.4292-2185T>A (NM_001386187.2); c.4253-2185T>A (NM_001386147.1); and 35 more; short protein forms D2140E, D3262E, D3340E, D3379E, D3387E.
Identifiers: ClinVar variation 998752 (VCV000998752.18), dbSNP rs1210742834, ClinGen allele CA357939507.

ClinVar aggregate classification (germline): Uncertain significance. Review status: criteria provided, multiple submitters, no conflicts (2 of 4 stars). 2 submissions from 2 submitters: Uncertain significance (2). Last evaluated 2024-12-01.

Conditions:
Long QT syndrome (LQTS). Identifiers: MedGen C0023976, MeSH D008133, MONDO:0002442. Disease mechanism: loss of function. Inheritance: Various modes of inheritance.

Allele frequency attached by ClinVar (database versions not stated): gnomAD exomes below 0.00001; gnomAD 0.00001.
gnomAD v4.1: 4 of 1,612,126 alleles (0.00025%); highest among the groups gnomAD compares: Middle Eastern, 0.016%; no homozygotes.

Submissions (2):

CeGaT Center for Human Genetics Tuebingen
Classification: Uncertain significance. Last evaluated: 2024-12-01. Review status: criteria provided, single submitter. Criteria: CeGaT Center For Human Genetics Tuebingen Variant Classification Criteria Version 2. Collection method: clinical testing. Allele origin: germline. Affected: yes. Observed: 1 variant allele.

Labcorp Genetics (formerly Invitae), Labcorp
Classification: Uncertain significance for Long QT syndrome. Last evaluated: 2020-07-16. Review status: criteria provided, single submitter. Criteria: Invitae Variant Classification Sherloc (09022015). Collection method: clinical testing. Allele origin: germline.
Comment: In summary, the available evidence is currently insufficient to determine the role of this variant in disease. Therefore, it has been classified as a Variant of Uncertain Significance. Algorithms developed to predict the effect of missense changes on protein structure and function output the following: SIFT: "Tolerated"; PolyPhen-2: "Benign"; Align-GVGD: "Class C0". The glutamic acid amino acid residue is found in multiple mammalian species, suggesting that this missense change does not adversely affect protein function. These predictions have not been confirmed by published functional studies and their clinical significance is uncertain. This variant has not been reported in the literature in individuals with ANK2-related conditions. This variant is not present in population databases (ExAC no frequency). This sequence change replaces aspartic acid with glutamic acid at codon 3340 of the ANK2 protein (p.Asp3340Glu). The aspartic acid residue is moderately conserved and there is a small physicochemical difference between aspartic acid and glutamic acid.